The following is an entry in ClinVar:

NM_014049.5(ACAD9):c.1693-294T>A

Genes: CFAP92 (cilia and flagella associated protein 92 (putative); minus strand), ACAD9 (acyl-CoA dehydrogenase family member 9; plus strand). Cytogenetic location: 3q21.3.
Variant type: single nucleotide variant.
Coding change: c.1693-294T>A on transcript NM_014049.5 (MANE Select); 294 bases into the intron before coding-DNA position 1693, T replaced by A.
Molecular consequence: intron variant.
Genome position (GRCh38, 1-based): chr3:128,910,447, T>A. VCF-style: chr3-128910447-T-A. GRCh37 (hg19) VCF-style: chr3-128629290-T-A.
Other names: c.1324-294T>A (NM_001410805.1); c.2312-114A>T (NM_001348521.2); c.2408-114A>T (NM_001348520.2); c.3281-114A>T (NM_001394090.1).
Identifiers: ClinVar variation 1879589 (VCV001879589.29), dbSNP rs538289686, ClinGen allele CA82540732.

ClinVar aggregate classification (germline): Likely benign (1 of 4 stars; one submission).

Allele frequency attached by ClinVar (database versions not stated): 1000 Genomes Project 0.00020; 1000 Genomes Project 30x 0.00031; TOPMed 0.00132; gnomAD 0.00309.
gnomAD v4.1: 2,831 of 1,051,748 alleles (0.27%); highest among the groups gnomAD compares: Non-Finnish European, 0.25%; 20 homozygotes.

Submission:

CeGaT Center for Human Genetics Tuebingen
Classification: Likely benign. Last evaluated: 2026-07-01. Review status: criteria provided, single submitter. Criteria: CeGaT Center For Human Genetics Tuebingen Variant Classification Criteria Version 2. Collection method: clinical testing. Allele origin: germline. Affected: yes. Observed: 12 variant alleles.
Comment: ACAD9: BS2